The following is an entry in ClinVar:

NM_001458.5(FLNC):c.6441C>T (p.Ile2147=)

Genes: FLNC (filamin C; plus strand), FLNC-AS1 (FLNC antisense RNA 1; minus strand). Cytogenetic location: 7q32.1.
Variant type: single nucleotide variant.
Coding change: c.6441C>T on transcript NM_001458.5 (MANE Select); coding-DNA position 6441, C replaced by T.
Protein change: p.Ile2147=; no amino-acid change (isoleucine 2147 retained).
Molecular consequence: synonymous variant.
Genome position (GRCh38, 1-based): chr7:128,853,794, C>T. VCF-style: chr7-128853794-C-T. GRCh37 (hg19) VCF-style: chr7-128493848-C-T.
Other names: c.6342C>T, p.Ile2114= (NM_001127487.2).
Identifiers: ClinVar variation 197063 (VCV000197063.20), dbSNP rs762017885, ClinGen allele CA244991.
Genomic context (GRCh38, chr7:128,853,794, plus strand): 5'-GGTGACCGGCGAGGGCCGCATGAAGGAGAGCATCACCCGGCGGAGACAGGCACCTTCCAT[C>T]GCCACCATCGGCAGCACCTGTGACCTCAACCTCAAGATCCCAGGTAGAAGCCTGGAGGAC-3'
Protein context (NP_001449.3, residues 2137-2157): SITRRRQAPS[Ile2147=]ATIGSTCDLN

ClinVar aggregate classification (germline): Conflicting classifications of pathogenicity. Review status: criteria provided, conflicting classifications (1 of 4 stars). 6 submissions from 6 submitters: Uncertain significance (1); Likely benign (5). Last evaluated 2025-07-24.

Conditions:
Hypertrophic cardiomyopathy 26. Also called: Cardiomyopathy, familial hypertrophic, 26. Identifiers: Orphanet 75249, MedGen C4310749, MONDO:0014883, OMIM 617047.
Distal myopathy with posterior leg and anterior hand involvement. Also called: WILLIAMS DISTAL MYOPATHY. Identifiers: Orphanet 63273, MedGen C3279722, MONDO:0013550, OMIM 614065.
Myofibrillar myopathy 5. Also called: Filaminopathy (type); FILAMINOPATHY, AUTOSOMAL DOMINANT. Identifiers: Orphanet 171445, MedGen C1836050, MONDO:0012289, OMIM 609524.
Cardiovascular phenotype. Identifiers: MedGen CN230736.

Allele frequency attached by ClinVar (database versions not stated): TOPMed below 0.00001; gnomAD exomes 0.00001; ExAC 0.00002.
gnomAD v4.1: 11 of 1,613,760 alleles (0.00068%); highest among the groups gnomAD compares: East Asian, 0.0022%; no homozygotes.

Submissions (6):

Molecular Diagnostic Laboratory for Inherited Cardiovascular Disease, Montreal Heart Institute
Classification: Likely benign. Last evaluated: 2025-07-24. Review status: criteria provided, single submitter. Criteria: ACMG Guidelines, 2015. Collection method: clinical testing. Allele origin: germline. Affected: no.
Comment: BP7

Labcorp Genetics (formerly Invitae), Labcorp
Classification: Likely benign for Distal myopathy with posterior leg and anterior hand involvement; Myofibrillar myopathy 5; Hypertrophic cardiomyopathy 26. Last evaluated: 2025-06-19. Review status: criteria provided, single submitter. Criteria: Invitae Variant Classification Sherloc (09022015). Collection method: clinical testing. Allele origin: germline.

Blueprint Genetics
Classification: Likely benign. Last evaluated: 2024-06-25. Review status: criteria provided, single submitter. Criteria: ACMG Guidelines, 2015. Collection method: clinical testing. Allele origin: germline.

Ambry Genetics
Classification: Likely benign for Cardiovascular phenotype. Last evaluated: 2019-12-26. Review status: criteria provided, single submitter. Criteria: Ambry Variant Classification Scheme 2023. Collection method: clinical testing. Allele origin: germline.

GeneDx
Classification: Likely benign. Last evaluated: 2017-10-26. Review status: criteria provided, single submitter. Criteria: GeneDx Variant Classification (06012015). Collection method: clinical testing. Allele origin: germline. Affected: yes.
Comment: This variant is considered likely benign or benign based on one or more of the following criteria: it is a conservative change, it occurs at a poorly conserved position in the protein, it is predicted to be benign by multiple in silico algorithms, and/or has population frequency not consistent with disease.

Eurofins Ntd Llc (ga)
Classification: Uncertain significance. Last evaluated: 2015-02-26. Review status: criteria provided, single submitter. Criteria: EGL Classification Definitions 2015. Collection method: clinical testing. Allele origin: germline. Observed: 1 variant allele, 1 heterozygote.